The following is an entry in ClinVar:

ClinVar aggregate classification (germline): Uncertain significance. Review status: criteria provided, single submitter (1 of 4 stars). 2 submissions from 2 submitters: Uncertain significance (1). 1 of the submissions does not count toward it. Last evaluated 2021-08-27.

Conditions:
MHC class II deficiency. Also called: BLS, TYPE II; Bare lymphocyte syndrome 2. Identifiers: Orphanet 572, MedGen C5447452, MONDO:0008855.

Allele frequency attached by ClinVar (database versions not stated): TOPMed 0.00002; gnomAD 0.00004; ESP Exome Variant Server 0.00008; gnomAD exomes below 0.00001; ExAC 0.00002.
gnomAD v4.1: 7 of 1,614,078 alleles (0.00043%); highest among the groups gnomAD compares: African/African-American, 0.0093%; no homozygotes.

Submissions (2):

Labcorp Genetics (formerly Invitae), Labcorp
Classification: Uncertain significance for MHC class II deficiency. Last evaluated: 2021-08-27. Review status: criteria provided, single submitter. Criteria: Invitae Variant Classification Sherloc (09022015). Collection method: clinical testing. Allele origin: germline.
Comment: This sequence change replaces lysine with arginine at codon 731 of the CIITA protein (p.Lys731Arg). The lysine residue is highly conserved and there is a small physicochemical difference between lysine and arginine. This variant is present in population databases (rs372853839, ExAC 0.02%). This variant has not been reported in the literature in individuals affected with CIITA-related conditions. Algorithms developed to predict the effect of missense changes on protein structure and function are either unavailable or do not agree on the potential impact of this missense change (SIFT: "Tolerated"; PolyPhen-2: "Possibly Damaging"; Align-GVGD: "Class C0"). In summary, the available evidence is currently insufficient to determine the role of this variant in disease. Therefore, it has been classified as a Variant of Uncertain Significance.

Natera, Inc.
Classification: Uncertain significance for Bare lymphocyte syndrome type II. Last evaluated: 2020-11-20. Review status: no assertion criteria provided. Collection method: clinical testing. Allele origin: germline. Not counted in ClinVar's aggregate classification.

NM_000246.4(CIITA):c.2192A>G (p.Lys731Arg)

Gene: CIITA (class II major histocompatibility complex transactivator; plus strand). Cytogenetic location: 16p13.13.
Variant type: single nucleotide variant.
Coding change: c.2192A>G on transcript NM_000246.4 (MANE Select); coding-DNA position 2192, A replaced by G.
Protein change: p.Lys731Arg; replaces lysine 731 with arginine.
Molecular consequence: missense variant. On other transcripts: intron variant (1).
Genome position (GRCh38, 1-based): chr16:10,907,684, A>G. VCF-style: chr16-10907684-A-G. GRCh37 (hg19) VCF-style: chr16-11001541-A-G.
Other names: c.2195A>G, p.Lys732Arg (NM_001286402.1, NM_001379332.1); c.2048A>G, p.Lys683Arg (NM_001379330.1); c.2045A>G, p.Lys682Arg (NM_001379331.1); c.2192A>G, p.Lys731Arg (NM_001379333.1); c.2123A>G, p.Lys708Arg (NM_001379334.1); c.860-1299A>G (NM_001286403.2); short protein forms K682R, K683R, K708R, K731R, K732R.
Identifiers: ClinVar variation 1057297 (VCV001057297.6), dbSNP rs372853839, ClinGen allele CA7900318.